The following is an entry in ClinVar:

NM_000875.5(IGF1R):c.2663A>G (p.Tyr888Cys)

Gene: IGF1R (insulin like growth factor 1 receptor; plus strand). Cytogenetic location: 15q26.3.
Variant type: single nucleotide variant.
Coding change: c.2663A>G on transcript NM_000875.5 (MANE Select); coding-DNA position 2663, A replaced by G.
Protein change: p.Tyr888Cys; replaces tyrosine 888 with cysteine.
Molecular consequence: missense variant.
Genome position (GRCh38, 1-based): chr15:98,924,565, A>G. VCF-style: chr15-98924565-A-G. GRCh37 (hg19) VCF-style: chr15-99467794-A-G.
Other names: c.2663A>G, p.Tyr888Cys (NM_001291858.2); c.2663A>G (NM_000875.4); short protein forms Y888C.
Identifiers: ClinVar variation 2360745 (VCV002360745.3), dbSNP rs1567202482, ClinGen allele CA393682205.

ClinVar aggregate classification (germline): Uncertain significance. Review status: criteria provided, single submitter (1 of 4 stars). 2 submissions from 2 submitters: Uncertain significance (1). 1 of the submissions does not count toward it. Last evaluated 2022-12-12.

Conditions:
IGF1R-related disorder. Also called: IGF1R-related condition.
Inborn genetic diseases. Identifiers: MedGen C0950123, MeSH D030342.

Allele frequency attached by ClinVar (database versions not stated): gnomAD exomes below 0.00001.
gnomAD v4.1: 1 of 1,614,138 alleles (0.000062%); highest among the groups gnomAD compares: East Asian, 0.0022%; no homozygotes.

Submissions (2):

Ambry Genetics
Classification: Uncertain significance for Inborn genetic diseases. Last evaluated: 2022-12-12. Review status: criteria provided, single submitter. Criteria: Ambry Variant Classification Scheme 2023. Collection method: clinical testing. Allele origin: germline.

PreventionGenetics, part of Exact Sciences
Classification: Uncertain significance for IGF1R-related condition. Last evaluated: 2024-05-21. Review status: no assertion criteria provided. Collection method: clinical testing. Allele origin: germline. Not counted in ClinVar's aggregate classification.
Comment: The IGF1R c.2663A>G variant is predicted to result in the amino acid substitution p.Tyr888Cys. To our knowledge, this variant has not been reported in the literature or in a large population database, indicating this variant is rare. At this time, the clinical significance of this variant is uncertain due to the absence of conclusive functional and genetic evidence.